The following is an entry in ClinVar:

ClinVar aggregate classification (germline): Uncertain significance (1 of 4 stars; one submission).

Allele frequency attached by ClinVar (database versions not stated): gnomAD 0.00001.
gnomAD v4.1: 11 of 1,493,160 alleles (0.00074%); highest among the groups gnomAD compares: Non-Finnish European, 0.00089%; no homozygotes.

Submission:

GeneDx
Classification: Uncertain significance. Last evaluated: 2017-01-03. Review status: criteria provided, single submitter. Criteria: GeneDx Variant Classification (06012015). Collection method: clinical testing. Allele origin: germline. Affected: yes.
Comment: A novel variant of uncertain significance has been identified in the GATAD1 gene. The A24V variant has not been published as a pathogenic variant, nor has it been reported as a benign variant to our knowledge. It was not observed in approximately 4,500 individuals of European and African American ancestry in the NHLBI Exome Sequencing Project, indicating it is not a common benign variant in these populations. The A24V variant is a conservative amino acid substitution, which is not likely to impact secondary protein structure as these residues share similar properties. Moreover, this substitution occurs at a position that is not conserved across species, and two of three in silico models predicts this variant likely does not alter the protein structure/function.Therefore, based on the currently available information, it is unclear whether this variant is pathogenic or rare benign. This result cannot be interpreted for diagnosis or used for family member screening at this time.

NM_021167.5(GATAD1):c.71C>T (p.Ala24Val)

Genes: GATAD1 (GATA zinc finger domain containing 1; plus strand), LOC129998793 (ATAC-STARR-seq lymphoblastoid silent region 18371; plus strand). Cytogenetic location: 7q21.2.
Variant type: single nucleotide variant.
Coding change: c.71C>T on transcript NM_021167.5 (MANE Select); coding-DNA position 71, C replaced by T.
Protein change: p.Ala24Val; replaces alanine 24 with valine.
Molecular consequence: missense variant. On other transcripts: non-coding transcript variant (1).
Genome position (GRCh38, 1-based): chr7:92,447,800, C>T. VCF-style: chr7-92447800-C-T. GRCh37 (hg19) VCF-style: chr7-92077114-C-T.
Other names: short protein forms A24V.
Identifiers: ClinVar variation 392370 (VCV000392370.2), dbSNP rs1057524462, ClinGen allele CA16605405.